The following is an entry in ClinVar:

NM_058216.3(RAD51C):c.967T>C (p.Leu323=)

Gene: RAD51C (RAD51 paralog C; plus strand). Cytogenetic location: 17q22.
Variant type: single nucleotide variant.
Coding change: c.967T>C on transcript NM_058216.3 (MANE Select); coding-DNA position 967, T replaced by C.
Protein change: p.Leu323=; no amino-acid change (leucine 323 retained).
Molecular consequence: synonymous variant. On other transcripts: non-coding transcript variant (1).
Genome position (GRCh38, 1-based): chr17:58,732,485, T>C. VCF-style: chr17-58732485-T-C. GRCh37 (hg19) VCF-style: chr17-56809846-T-C.
Identifiers: ClinVar variation 184083 (VCV000184083.26), dbSNP rs747727600, ClinGen allele CA187731.
Genomic context (GRCh38, chr17:58,732,485, plus strand): 5'-GAACTTTTAATTAATTAAGTTCATGTGTTTGTATGTATTTATTCTTTTTCTTTAAGCAGG[T>C]TGGCAACATTGTACAAGTCACCCAGCCAGAAGGAATGCACAGTACTGTTTCAAATCAAAG-3'
Protein context (NP_478123.1, residues 313-333): LIFHWDRKQR[Leu323=]ATLYKSPSQK

ClinVar aggregate classification (germline): Conflicting classifications of pathogenicity. Review status: criteria provided, conflicting classifications (1 of 4 stars). 9 submissions from 9 submitters: Uncertain significance (1); Benign (1); Likely benign (7). Last evaluated 2026-01-13.

Conditions:
Hereditary cancer-predisposing syndrome. Also called: Tumor predisposition; Neoplastic Syndromes, Hereditary; Hereditary neoplastic syndrome; Hereditary Cancer Syndrome. Identifiers: Orphanet 140162, MedGen C0027672, MeSH D009386, MONDO:0015356.
Breast-ovarian cancer, familial, susceptibility to, 3. Also called: RAD51C-Related Breast/Ovarian Cancer. Identifiers: Orphanet 145, MedGen C3150659, MONDO:0013253, OMIM 613399.
Fanconi anemia complementation group O. Also called: RAD51C-Related Fanconi Anemia. Identifiers: Orphanet 84, MedGen C3150653, MONDO:0013248, OMIM 613390.

Allele frequency attached by ClinVar (database versions not stated): ExAC 0.00001; gnomAD exomes 0.00002 and below 0.00001; TOPMed 0.00004; gnomAD 0.00006.

Submissions (9):

Labcorp Genetics (formerly Invitae), Labcorp
Classification: Likely benign for Fanconi anemia complementation group O. Last evaluated: 2026-01-13. Review status: criteria provided, single submitter. Criteria: Invitae Variant Classification Sherloc (09022015). Collection method: clinical testing. Allele origin: germline.

Quest Diagnostics Nichols Institute San Juan Capistrano
Classification: Uncertain significance. Last evaluated: 2025-08-28. Review status: criteria provided, single submitter. Criteria: Quest Diagnostics criteria. Collection method: clinical testing. Allele origin: unknown.
Comment: The RAD51C c.967T>C (p.Leu323=) synonymous variant has not been reported in individuals with RAD51C-related conditions in the published literature. The frequency of this variant in the general population (Genome Aggregation Database) is uninformative in the assessment of its pathogenicity. Analysis of this variant using software algorithms for the prediction of the effect of nucleotide changes on splicing yielded predictions that this variant does not affect RAD51C mRNA splicing. Based on the available information, we are unable to determine the clinical significance of this variant.

Myriad Genetics, Inc.
Classification: Benign for Breast-ovarian cancer, familial, susceptibility to, 3. Last evaluated: 2025-02-19. Review status: criteria provided, single submitter. Criteria: Myriad Autosomal Dominant, Autosomal Recessive and X-Linked Classification Criteria (2023). Collection method: clinical testing. Allele origin: unknown.
Comment: This variant is considered benign. This variant is a silent/synonymous amino acid change and it is not expected to impact splicing.

Blueprint Genetics
Classification: Likely benign. Last evaluated: 2024-11-04. Review status: criteria provided, single submitter. Criteria: ACMG Guidelines, 2015. Collection method: clinical testing. Allele origin: germline.

Sema4
Classification: Likely benign for Hereditary cancer-predisposing syndrome. Last evaluated: 2022-02-07. Review status: criteria provided, single submitter. Criteria: Sema4 Curation Guidelines. Collection method: curation. Allele origin: germline.

Women's Health and Genetics/Laboratory Corporation of America, LabCorp
Classification: Likely benign. Last evaluated: 2020-02-17. Review status: criteria provided, single submitter. Criteria: LabCorp Variant Classification Summary - May 2015. Collection method: clinical testing. Allele origin: germline.
Comment: Variant summary: RAD51C c.967T>C (p.Leu323Leu) alters a non-conserved nucleotide located close to a canonical splice site and therefore could affect mRNA splicing, leading to a significantly altered protein sequence. Several computational tools predict a significant impact on normal splicing: Three predict the variant abolishes a 3' acceptor site. The Transcript-inferred Pathogenicity (TrAP) score predicts the variant to be benign. However, these predictions have yet to be confirmed by functional studies. The variant allele was found at a frequency of 4e-06 in 251372 control chromosomes. The available data on variant occurrences in the general population are insufficient to allow any conclusion about variant significance. To our knowledge, no occurrence of c.967T>C in individuals affected with Hereditary Breast and Ovarian Cancer and no experimental evidence demonstrating its impact on protein function have been reported. Three clinical diagnostic laboratories have submitted clinical-significance assessments for this variant to ClinVar after 2014 without evidence for independent evaluation. All laboratories classified the variant as likely benign. Based on the evidence outlined above, the variant was classified as likely benign.

GeneDx
Classification: Likely benign. Last evaluated: 2019-10-08. Review status: criteria provided, single submitter. Criteria: GeneDx Variant Classification Process June 2021. Collection method: clinical testing. Allele origin: germline. Affected: yes.

Color Diagnostics, LLC DBA Color Health
Classification: Likely benign for Hereditary cancer-predisposing syndrome. Last evaluated: 2015-10-27. Review status: criteria provided, single submitter. Criteria: ACMG Guidelines, 2015. Collection method: clinical testing. Allele origin: germline.

Ambry Genetics
Classification: Likely benign for Hereditary cancer-predisposing syndrome. Last evaluated: 2014-08-11. Review status: criteria provided, single submitter. Criteria: Ambry Variant Classification Scheme 2023. Collection method: clinical testing. Allele origin: germline.